The following is an entry in ClinVar:

ClinVar aggregate classification (germline): Likely pathogenic (1 of 4 stars; one submission).

Conditions:
Androgen resistance syndrome (AIS). Also called: ANDROGEN RECEPTOR DEFICIENCY; DIHYDROTESTOSTERONE RECEPTOR DEFICIENCY; TESTICULAR FEMINIZATION SYNDROME; DHTR DEFICIENCY; Androgen insensitivity syndrome; Androgen insensitivity. Identifiers: Orphanet 754, Orphanet 99429, MedGen C0039585, MONDO:0019154, OMIM 300068. Disease mechanism: loss of function.
Kennedy disease (SMAX1). Also called: SPINAL AND BULBAR MUSCULAR ATROPHY, X-LINKED 1; KENNEDY SPINAL AND BULBAR MUSCULAR ATROPHY; Spinal and Bulbar Muscular Atrophy. Identifiers: Orphanet 481, MedGen C1839259, MONDO:0010735, OMIM 313200.

Submission:

Labcorp Genetics (formerly Invitae), Labcorp
Classification: Likely pathogenic for Kennedy disease; Androgen resistance syndrome. Last evaluated: 2025-01-29. Review status: criteria provided, single submitter. Criteria: Invitae Variant Classification Sherloc (09022015). Collection method: clinical testing. Allele origin: germline.
Comment: This sequence change replaces proline, which is neutral and non-polar, with arginine, which is basic and polar, at codon 893 of the AR protein (p.Pro893Arg). This variant is not present in population databases (gnomAD no frequency). This variant has not been reported in the literature in individuals affected with AR-related conditions. Invitae Evidence Modeling of protein sequence and biophysical properties (such as structural, functional, and spatial information, amino acid conservation, physicochemical variation, residue mobility, and thermodynamic stability) indicates that this missense variant is expected to disrupt AR protein function with a positive predictive value of 95%. This variant disrupts the p.Pro893 amino acid residue in AR. Other variant(s) that disrupt this residue have been determined to be pathogenic (PMID: 15925895, 25674389, 29785970). This suggests that this residue is clinically significant, and that variants that disrupt this residue are likely to be disease-causing. In summary, the currently available evidence indicates that the variant is pathogenic, but additional data are needed to prove that conclusively. Therefore, this variant has been classified as Likely Pathogenic.

Literature cited by the submitters: PubMed 15925895; PubMed 25674389; PubMed 29785970.

NM_000044.6(AR):c.2678C>G (p.Pro893Arg)

Gene: AR (androgen receptor; plus strand). Cytogenetic location: Xq12.
Variant type: single nucleotide variant.
Coding change: c.2678C>G on transcript NM_000044.6 (MANE Select); coding-DNA position 2678, C replaced by G.
Protein change: p.Pro893Arg; replaces proline 893 with arginine.
Molecular consequence: missense variant.
Genome position (GRCh38, 1-based): chrX:67,723,756, C>G. VCF-style: chrX-67723756-C-G. GRCh37 (hg19) VCF-style: chrX-66943598-C-G.
Other names: c.1082C>G, p.Pro361Arg (NM_001011645.3); short protein forms P361R, P893R.
Identifiers: ClinVar variation 4783659 (VCV004783659.1).